The following is an entry in ClinVar:

NM_021620.4(PRDM13):c.149_150del (p.Arg50fs)

Gene: PRDM13 (PR/SET domain 13; plus strand). Cytogenetic location: 6q16.2.
Variant type: Microsatellite.
Coding change: c.149_150del on transcript NM_021620.4 (MANE Select); coding-DNA positions 149 to 150, 2 bases deleted (GC; older notation c.149_150delGC).
Protein change: p.Arg50fs; shifts the reading frame from arginine 50.
Molecular consequence: frameshift variant.
Genome position (GRCh38, 1-based): chr6:99,608,745-99,608,746, GC deleted; deleting any 2 consecutive bases within chr6:99,608,743-99,608,746 gives the same sequence; the c. name uses the placement nearest the transcript's 3' end. VCF-style (leftmost placement, unchanged base first): chr6-99608742-TGC-T. GRCh37 (hg19) VCF-style: chr6-100056618-TGC-T.
Other names: short protein forms R50fs.
Identifiers: ClinVar variation 3683584 (VCV003683584.2).

ClinVar aggregate classification (germline): Uncertain significance (1 of 4 stars; one submission).

Submission:

Labcorp Genetics (formerly Invitae), Labcorp
Classification: Uncertain significance. Last evaluated: 2024-07-09. Review status: criteria provided, single submitter. Criteria: Invitae Variant Classification Sherloc (09022015). Collection method: clinical testing. Allele origin: germline.
Comment: This sequence change creates a premature translational stop signal (p.Arg50Hisfs*63) in the PRDM13 gene. It is expected to result in an absent or disrupted protein product. However, the current clinical and genetic evidence is not sufficient to establish whether loss-of-function variants in PRDM13 cause disease. This variant is not present in population databases (gnomAD no frequency). This variant has not been reported in the literature in individuals affected with PRDM13-related conditions. In summary, the available evidence is currently insufficient to determine the role of this variant in disease. Therefore, it has been classified as a Variant of Uncertain Significance.